The following is an entry in ClinVar:

NM_144997.7(FLCN):c.197G>A (p.Gly66Glu)

Gene: FLCN (folliculin; minus strand). Cytogenetic location: 17p11.2.
Variant type: single nucleotide variant.
Coding change: c.197G>A on transcript NM_144997.7 (MANE Select); coding-DNA position 197, G replaced by A.
Protein change: p.Gly66Glu; replaces glycine 66 with glutamic acid.
Molecular consequence: missense variant.
Genome position (GRCh38, 1-based): chr17:17,227,941, C>T on the plus strand (G>A on the coding strand, the complement: FLCN is on the minus strand). VCF-style: chr17-17227941-C-T. GRCh37 (hg19) VCF-style: chr17-17131255-C-T.
Other names: c.197G>A, p.Gly66Glu (NM_001353229.2, NM_001353230.2, NM_001353231.2 and 1 more transcripts); c.197G>A (LRG_325t1); short protein forms G66E.
Identifiers: ClinVar variation 409398 (VCV000409398.19), dbSNP rs753787458, ClinGen allele CA8416500.

ClinVar aggregate classification (germline): Conflicting classifications of pathogenicity. Review status: criteria provided, conflicting classifications (1 of 4 stars). 5 submissions from 5 submitters: Uncertain significance (4); Likely benign (1). Last evaluated 2026-03-05.

Conditions:
Hereditary cancer-predisposing syndrome. Also called: Neoplastic Syndromes, Hereditary; Tumor predisposition; Hereditary neoplastic syndrome; Hereditary Cancer Syndrome. Identifiers: Orphanet 140162, MedGen C0027672, MeSH D009386, MONDO:0015356.
Birt-Hogg-Dube syndrome. Also called: Birt Hogg Dubé syndrome. Identifiers: Orphanet 122, MedGen C0346010, MONDO:0800444.
Birt-Hogg-Dube syndrome 1 (BHD1). Also called: FIBROFOLLICULOMAS WITH TRICHODISCOMAS AND ACROCHORDONS. Identifiers: Orphanet 122, MedGen CN375946, MONDO:0800445, OMIM 135150.
Nonpapillary renal cell carcinoma. Identifiers: Orphanet 422526, MedGen CN074294, MONDO:0007763, OMIM 144700.
Colorectal cancer. Also called: Malignant Colorectal Neoplasm; Colorectal cancer, somatic. Identifiers: MedGen C0346629, MONDO:0005575, OMIM 114500.
Familial spontaneous pneumothorax (PSP). Identifiers: Orphanet 2903, MedGen C1868193, MONDO:0008259, OMIM 173600.

Allele frequency attached by ClinVar (database versions not stated): gnomAD exomes below 0.00001; TOPMed 0.00001; gnomAD 0.00003; ExAC 0.00001.

Submissions (5):

Ambry Genetics
Classification: Likely benign for Hereditary cancer-predisposing syndrome. Last evaluated: 2026-03-05. Review status: criteria provided, single submitter. Criteria: Ambry Variant Classification Scheme 2023. Collection method: clinical testing. Allele origin: germline.

Labcorp Genetics (formerly Invitae), Labcorp
Classification: Uncertain significance for Birt-Hogg-Dube syndrome. Last evaluated: 2025-01-14. Review status: criteria provided, single submitter. Criteria: Invitae Variant Classification Sherloc (09022015). Collection method: clinical testing. Allele origin: germline.
Comment: This sequence change replaces glycine, which is neutral and non-polar, with glutamic acid, which is acidic and polar, at codon 66 of the FLCN protein (p.Gly66Glu). This variant is present in population databases (rs753787458, gnomAD 0.004%). This variant has not been reported in the literature in individuals affected with FLCN-related conditions. ClinVar contains an entry for this variant (Variation ID: 409398). Invitae Evidence Modeling of protein sequence and biophysical properties (such as structural, functional, and spatial information, amino acid conservation, physicochemical variation, residue mobility, and thermodynamic stability) indicates that this missense variant is not expected to disrupt FLCN protein function with a negative predictive value of 80%. In summary, the available evidence is currently insufficient to determine the role of this variant in disease. Therefore, it has been classified as a Variant of Uncertain Significance.

Fulgent Genetics
Classification: Uncertain significance for Colorectal cancer; Birt-Hogg-Dube syndrome 1; Nonpapillary renal cell carcinoma; Familial spontaneous pneumothorax. Last evaluated: 2024-04-03. Review status: criteria provided, single submitter. Criteria: ACMG Guidelines, 2015. Collection method: clinical testing. Allele origin: germline.

Baylor Genetics
Classification: Uncertain significance for Birt-Hogg-Dube syndrome 1. Last evaluated: 2024-02-13. Review status: criteria provided, single submitter. Criteria: ACMG Guidelines, 2015. Collection method: clinical testing. Allele origin: unknown.

GeneDx
Classification: Uncertain significance. Last evaluated: 2022-09-27. Review status: criteria provided, single submitter. Criteria: GeneDx Variant Classification Process June 2021. Collection method: clinical testing. Allele origin: germline. Affected: yes.
Comment: Not observed at significant frequency in large population cohorts (gnomAD); In silico analysis, which includes protein predictors and evolutionary conservation, supports that this variant does not alter protein structure/function; Has not been previously published as pathogenic or benign to our knowledge